The following is an entry in ClinVar:

ClinVar aggregate classification (germline): Uncertain significance (1 of 4 stars; one submission).

gnomAD v4.1: 2 of 499,998 alleles (0.0004%); highest among the groups gnomAD compares: Non-Finnish European, 0.00034%; no homozygotes.

Submission:

CeGaT Center for Human Genetics Tuebingen
Classification: Uncertain significance. Last evaluated: 2025-02-01. Review status: criteria provided, single submitter. Criteria: CeGaT Center For Human Genetics Tuebingen Variant Classification Criteria Version 2. Collection method: clinical testing. Allele origin: germline. Affected: yes. Observed: 1 variant allele.
Comment: HYDIN: PM2, BP4

NM_001270974.2(HYDIN):c.3397G>T (p.Asp1133Tyr)

Gene: HYDIN (HYDIN axonemal central pair apparatus protein; minus strand). Cytogenetic location: 16q22.2.
Variant type: single nucleotide variant.
Coding change: c.3397G>T on transcript NM_001270974.2 (MANE Select); coding-DNA position 3397, G replaced by T.
Protein change: p.Asp1133Tyr; replaces aspartic acid 1133 with tyrosine.
Molecular consequence: missense variant.
Genome position (GRCh38, 1-based): chr16:71,018,376, C>A on the plus strand (G>T on the coding strand, the complement: HYDIN is on the minus strand). VCF-style: chr16-71018376-C-A. GRCh37 (hg19) VCF-style: chr16-71052279-C-A.
Other names: short protein forms D1133Y.
Identifiers: ClinVar variation 3770980 (VCV003770980.13).